The following is an entry in ClinVar:

NM_020911.2(PLXNA4):c.3414C>T (p.Tyr1138=)

Gene: PLXNA4 (plexin A4; minus strand). Cytogenetic location: 7q32.3.
Variant type: single nucleotide variant.
Coding change: c.3414C>T on transcript NM_020911.2 (MANE Select); coding-DNA position 3414, C replaced by T.
Protein change: p.Tyr1138=; no amino-acid change (tyrosine 1138 retained).
Molecular consequence: synonymous variant.
Genome position (GRCh38, 1-based): chr7:132,181,459, G>A on the plus strand (C>T on the coding strand, the complement: PLXNA4 is on the minus strand). VCF-style: chr7-132181459-G-A. GRCh37 (hg19) VCF-style: chr7-131866218-G-A.
Other names: c.3414C>T, p.Tyr1138= (NM_001393897.1).
Identifiers: ClinVar variation 3355956 (VCV003355956.1).
Genomic context (GRCh38, chr7:132,181,459, plus strand): 5'-GCCAGGCTTGAGCTCCAGGATTCCTGAGGGACCAAAGGCCTCAAACACCGGGTTGGGATA[G>A]TAGGTGAAGTTGGTCTTGTTGAGGATGAGCAGGGACTGGACGTTGTCCAGGATGAAGCCA-3'
Protein context (NP_065962.1, residues 1128-1148): LLILNKTNFT[Tyr1138=]YPNPVFEAFG

ClinVar aggregate classification (germline): Likely benign (0 of 4 stars; one submission).

Conditions:
PLXNA4-related disorder. Also called: PLXNA4-related condition.

gnomAD v4.1: 7 of 1,614,056 alleles (0.00043%); highest among the groups gnomAD compares: East Asian, 0.0022%; no homozygotes.

Submission:

PreventionGenetics, part of Exact Sciences
Classification: Likely benign for PLXNA4-related condition. Last evaluated: 2023-02-27. Review status: no assertion criteria provided. Collection method: clinical testing. Allele origin: germline.
Comment: This variant is classified as likely benign based on ACMG/AMP sequence variant interpretation guidelines (Richards et al. 2015 PMID: 25741868, with internal and published modifications).